The following is an entry in ClinVar:

NM_001253697.2(ERBIN):c.1114G>A (p.Val372Ile)

Gene: ERBIN (erbb2 interacting protein; plus strand). Cytogenetic location: 5q12.3.
Variant type: single nucleotide variant.
Coding change: c.1114G>A on transcript NM_001253697.2 (MANE Select); coding-DNA position 1114, G replaced by A.
Protein change: p.Val372Ile; replaces valine 372 with isoleucine.
Molecular consequence: missense variant.
Genome position (GRCh38, 1-based): chr5:66,026,395, G>A. VCF-style: chr5-66026395-G-A. GRCh37 (hg19) VCF-style: chr5-65322223-G-A.
Other names: c.1114G>A, p.Val372Ile (NM_001006600.3, NM_001253698.2, NM_001253699.2 and 2 more transcripts); short protein forms V372I.
Identifiers: ClinVar variation 1367888 (VCV001367888.8), dbSNP rs2151155292, ClinGen allele CA359975684.

ClinVar aggregate classification (germline): Uncertain significance (1 of 4 stars; one submission).

Submission:

Labcorp Genetics (formerly Invitae), Labcorp
Classification: Uncertain significance. Last evaluated: 2022-02-05. Review status: criteria provided, single submitter. Criteria: Invitae Variant Classification Sherloc (09022015). Collection method: clinical testing. Allele origin: germline.
Comment: In summary, the available evidence is currently insufficient to determine the role of this variant in disease. Therefore, it has been classified as a Variant of Uncertain Significance. Algorithms developed to predict the effect of missense changes on protein structure and function are either unavailable or do not agree on the potential impact of this missense change (SIFT: "Deleterious"; PolyPhen-2: "Probably Damaging"; Align-GVGD: "Class C0"). This variant has not been reported in the literature in individuals affected with ERBIN-related conditions. This variant is not present in population databases (gnomAD no frequency). This sequence change replaces valine, which is neutral and non-polar, with isoleucine, which is neutral and non-polar, at codon 372 of the ERBIN protein (p.Val372Ile).